The following is an entry in ClinVar:

ClinVar aggregate classification (germline): Conflicting classifications of pathogenicity. Review status: criteria provided, conflicting classifications (1 of 4 stars). 2 submissions from 2 submitters: Uncertain significance (1); Likely benign (1). Last evaluated 2024-06-12.

Conditions:
KBG syndrome (KBGS). Also called: ANKRD11-Related KBG Syndrome. Identifiers: Orphanet 2332, MedGen C0220687, MONDO:0007846, OMIM 148050.
Inborn genetic diseases. Identifiers: MedGen C0950123, MeSH D030342.

Allele frequency attached by ClinVar (database versions not stated): gnomAD 0.00001; ExAC 0.00003.
gnomAD v4.1: 40 of 1,613,226 alleles (0.0025%); highest among the groups gnomAD compares: Middle Eastern, 0.033%; no homozygotes.

Submissions (2):

Labcorp Genetics (formerly Invitae), Labcorp
Classification: Uncertain significance for KBG syndrome. Last evaluated: 2024-06-12. Review status: criteria provided, single submitter. Criteria: Invitae Variant Classification Sherloc (09022015). Collection method: clinical testing. Allele origin: germline.
Comment: This sequence change replaces arginine, which is basic and polar, with glutamine, which is neutral and polar, at codon 949 of the ANKRD11 protein (p.Arg949Gln). This variant is present in population databases (rs775618210, gnomAD 0.004%). This variant has not been reported in the literature in individuals affected with ANKRD11-related conditions. ClinVar contains an entry for this variant (Variation ID: 2354753). Advanced modeling of protein sequence and biophysical properties (such as structural, functional, and spatial information, amino acid conservation, physicochemical variation, residue mobility, and thermodynamic stability) performed at Invitae indicates that this missense variant is not expected to disrupt ANKRD11 protein function with a negative predictive value of 95%. In summary, the available evidence is currently insufficient to determine the role of this variant in disease. Therefore, it has been classified as a Variant of Uncertain Significance.

Ambry Genetics
Classification: Likely benign for Inborn genetic diseases. Last evaluated: 2022-10-05. Review status: criteria provided, single submitter. Criteria: Ambry Variant Classification Scheme 2023. Collection method: clinical testing. Allele origin: germline.

NM_013275.6(ANKRD11):c.2846G>A (p.Arg949Gln)

Gene: ANKRD11 (ankyrin repeat domain 11; minus strand). Cytogenetic location: 16q24.3.
Variant type: single nucleotide variant.
Coding change: c.2846G>A on transcript NM_013275.6 (MANE Select); coding-DNA position 2846, G replaced by A.
Protein change: p.Arg949Gln; replaces arginine 949 with glutamine.
Molecular consequence: missense variant.
Genome position (GRCh38, 1-based): chr16:89,283,696, C>T on the plus strand (G>A on the coding strand, the complement: ANKRD11 is on the minus strand). VCF-style: chr16-89283696-C-T. GRCh37 (hg19) VCF-style: chr16-89350104-C-T.
Other names: c.2846G>A, p.Arg949Gln (NM_001256182.2, NM_001256183.2); short protein forms R949Q.
Identifiers: ClinVar variation 2354753 (VCV002354753.4), dbSNP rs775618210, ClinGen allele CA8242498.